The following is an entry in ClinVar:

NM_198253.3(TERT):c.2621C>T (p.Thr874Ile)

Gene: TERT (telomerase reverse transcriptase; minus strand). Cytogenetic location: 5p15.33.
Variant type: single nucleotide variant.
Coding change: c.2621C>T on transcript NM_198253.3 (MANE Select); coding-DNA position 2621, C replaced by T.
Protein change: p.Thr874Ile; replaces threonine 874 with isoleucine.
Molecular consequence: missense variant. On other transcripts: non-coding transcript variant (2).
Genome position (GRCh38, 1-based): chr5:1,266,497, G>A on the plus strand (C>T on the coding strand, the complement: TERT is on the minus strand). VCF-style: chr5-1266497-G-A. GRCh37 (hg19) VCF-style: chr5-1266612-G-A.
Other names: c.2621C>T, p.Thr874Ile (NM_001193376.3); short protein forms T874I.
Identifiers: ClinVar variation 3805762 (VCV003805762.1).

ClinVar aggregate classification (germline): Uncertain significance (1 of 4 stars; one submission).

Conditions:
Dyskeratosis congenita. Identifiers: Orphanet 1775, MedGen C0265965, MONDO:0015780.

gnomAD v4.1: 1 of 1,610,696 alleles (0.000062%); highest among the groups gnomAD compares: Non-Finnish European, 0.000085%; no homozygotes.

Submission:

Ambry Genetics
Classification: Uncertain significance for Dyskeratosis congenita. Last evaluated: 2024-12-25. Review status: criteria provided, single submitter. Criteria: Ambry Variant Classification Scheme 2023. Collection method: clinical testing. Allele origin: germline.
Comment: The p.T874I variant (also known as c.2621C>T), located in coding exon 10 of the TERT gene, results from a C to T substitution at nucleotide position 2621. The threonine at codon 874 is replaced by isoleucine, an amino acid with similar properties. This amino acid position is conserved. In addition, this alteration is predicted to be deleterious by in silico analysis. Based on the available evidence, the clinical significance of this variant remains unclear.